The following is an entry in ClinVar:

ClinVar aggregate classification (germline): Uncertain significance (1 of 4 stars; one submission).

Conditions:
Maturity-onset diabetes of the young (MODY). Also called: Maturity onset diabetes mellitus in young. Identifiers: Orphanet 552, MedGen C0342276, MONDO:0018911, HP:0004904.

Submission:

Ambry Genetics
Classification: Uncertain significance for Maturity-onset diabetes of the young. Last evaluated: 2025-07-16. Review status: criteria provided, single submitter. Criteria: Ambry Variant Classification Scheme 2023. Collection method: clinical testing. Allele origin: germline.
Comment: The c.1609dupA (p.T537Nfs*14) alteration, located in exon 8 (coding exon 8) of the HNF1B gene, consists of a duplication of A at position 1609, causing a translational frameshift with a predicted alternate stop codon after 14 amino acids. This variant is not expected to trigger nonsense-mediated mRNA decay, and impacts the last 3% of the protein. The exact functional effect of this alteration is unknown. This variant was not reported in population-based cohorts in the Genome Aggregation Database (gnomAD). Based on insufficient or conflicting evidence, the clinical significance of this alteration remains unclear.

NM_000458.4(HNF1B):c.1609dup (p.Thr537fs)

Gene: HNF1B (HNF1 homeobox B; minus strand). Cytogenetic location: 17q12.
Variant type: Duplication.
Coding change: c.1609dup on transcript NM_000458.4 (MANE Select); coding-DNA position 1609, one base duplicated (A; older notation c.1609dupA).
Protein change: p.Thr537fs; shifts the reading frame from threonine 537.
Molecular consequence: frameshift variant. On other transcripts: intron variant (2).
Genome position (GRCh38, 1-based): chr17:37,699,120, T duplicated on the plus strand (A on the coding strand, the reverse complement: HNF1B is on the minus strand). VCF-style (leftmost placement, unchanged base first): chr17-37699119-G-GT. GRCh37 (hg19) VCF-style: chr17-36059125-G-GT.
Other names: c.1531dup, p.Thr511fs (NM_001165923.4); c.1261+5797dup (NM_001304286.2); c.1534+1863dup (NM_001411100.1); short protein forms T537fs, T511fs.
Identifiers: ClinVar variation 4271426 (VCV004271426.1).